The following is an entry in ClinVar:

ClinVar aggregate classification (germline): Uncertain significance. Review status: criteria provided, multiple submitters, no conflicts (2 of 4 stars). 2 submissions from 2 submitters: Uncertain significance (2). Last evaluated 2025-06-22.

Conditions:
Hereditary cancer-predisposing syndrome. Also called: Tumor predisposition; Neoplastic Syndromes, Hereditary; Hereditary neoplastic syndrome; Hereditary Cancer Syndrome. Identifiers: Orphanet 140162, MedGen C0027672, MeSH D009386, MONDO:0015356.
Mitochondrial complex II deficiency, nuclear type 1. Also called: SUCCINATE CoQ REDUCTASE DEFICIENCY. Identifiers: Orphanet 3208, MedGen C5700310, MONDO:0100294, OMIM 252011.
Pheochromocytoma/paraganglioma syndrome 5. Also called: Paragangliomas 5; SDHA-Related Hereditary Paraganglioma-Pheochromocytoma Syndrome. Identifiers: Orphanet 29072, MedGen C3279992, MONDO:0013602, OMIM 614165.

gnomAD v4.1: 4 of 1,613,516 alleles (0.00025%); highest among the groups gnomAD compares: Non-Finnish European, 0.00034%; no homozygotes.

Submissions (2):

Labcorp Genetics (formerly Invitae), Labcorp
Classification: Uncertain significance for Pheochromocytoma/paraganglioma syndrome 5; Mitochondrial complex II deficiency, nuclear type 1. Last evaluated: 2025-06-22. Review status: criteria provided, single submitter. Criteria: Invitae Variant Classification Sherloc (09022015). Collection method: clinical testing. Allele origin: germline.
Comment: This sequence change replaces histidine, which is basic and polar, with tyrosine, which is neutral and polar, at codon 60 of the SDHA protein (p.His60Tyr). This variant is not present in population databases (gnomAD no frequency). This variant has not been reported in the literature in individuals affected with SDHA-related conditions. ClinVar contains an entry for this variant (Variation ID: 3793539). Invitae Evidence Modeling of protein sequence and biophysical properties (such as structural, functional, and spatial information, amino acid conservation, physicochemical variation, residue mobility, and thermodynamic stability) indicates that this missense variant is not expected to disrupt SDHA protein function with a negative predictive value of 95%. In summary, the available evidence is currently insufficient to determine the role of this variant in disease. Therefore, it has been classified as a Variant of Uncertain Significance.

Ambry Genetics
Classification: Uncertain significance for Hereditary cancer-predisposing syndrome. Last evaluated: 2024-12-26. Review status: criteria provided, single submitter. Criteria: Ambry Variant Classification Scheme 2023. Collection method: clinical testing. Allele origin: germline.
Comment: The p.H60Y variant (also known as c.178C>T), located in coding exon 3 of the SDHA gene, results from a C to T substitution at nucleotide position 178. The histidine at codon 60 is replaced by tyrosine, an amino acid with similar properties. This amino acid position is conserved. In addition, the in silico prediction for this alteration is inconclusive. Based on the available evidence, the clinical significance of this variant remains unclear.

NM_004168.4(SDHA):c.178C>T (p.His60Tyr)

Gene: SDHA (succinate dehydrogenase complex flavoprotein subunit A; plus strand). Cytogenetic location: 5p15.33.
Variant type: single nucleotide variant.
Coding change: c.178C>T on transcript NM_004168.4 (MANE Select); coding-DNA position 178, C replaced by T.
Protein change: p.His60Tyr; replaces histidine 60 with tyrosine.
Molecular consequence: missense variant.
Genome position (GRCh38, 1-based): chr5:224,387, C>T. VCF-style: chr5-224387-C-T. GRCh37 (hg19) VCF-style: chr5-224502-C-T.
Other names: c.178C>T, p.His60Tyr (NM_001294332.2, NM_001330758.2); short protein forms H60Y.
Identifiers: ClinVar variation 3793539 (VCV003793539.2).
Genomic context (GRCh38, chr5:224,387, plus strand): 5'-CATGTGATTGACAGGTGAATTTTTCTTTTCCAGATTTCTGCTCAGTATCCAGTAGTGGAT[C>T]ATGAATTTGATGCAGTGGTGGTAGGCGCTGGAGGGGCAGGCTTGCGAGCTGCATTTGGCC-3'
Protein context (NP_004159.2, residues 50-70): SISAQYPVVD[His60Tyr]EFDAVVVGAG